The following is an entry in ClinVar:

NM_004104.5(FASN):c.624C>T (p.Pro208=)

Gene: FASN (fatty acid synthase; minus strand). Cytogenetic location: 17q25.3.
Variant type: single nucleotide variant.
Coding change: c.624C>T on transcript NM_004104.5 (MANE Select); coding-DNA position 624, C replaced by T.
Protein change: p.Pro208=; no amino-acid change (proline 208 retained).
Molecular consequence: synonymous variant.
Genome position (GRCh38, 1-based): chr17:82,093,250, G>A on the plus strand (C>T on the coding strand, the complement: FASN is on the minus strand). VCF-style: chr17-82093250-G-A. GRCh37 (hg19) VCF-style: chr17-80051126-G-A.
Identifiers: ClinVar variation 462095 (VCV000462095.14), dbSNP rs45624241, ClinGen allele CA8853473.
Genomic context (GRCh38, chr17:82,093,250, plus strand): 5'-CTGCCCTGGCCGCGCAGCCGCACACTCACCCGCTGTGTCGAAGGCCTTGCAGGTGCCCTC[G>A]GGGCTGAGCATCCCCAGCCTCAAGAACTGCACGGAGGTGTTGGGCTTCAGCAGGACATTG-3'
Protein context (NP_004095.4, residues 198-218): VQFLRLGMLS[Pro208=]EGTCKAFDTA

ClinVar aggregate classification (germline): Benign. Review status: criteria provided, single submitter (1 of 4 stars). 2 submissions from 2 submitters: Benign (1). 1 of the submissions does not count toward it. Last evaluated 2026-01-28.

Conditions:
FASN-related disorder. Also called: FASN-related condition.
Epileptic encephalopathy. Identifiers: MedGen C0543888, HP:0200134.

Allele frequency attached by ClinVar (database versions not stated): gnomAD exomes 0.00148; ExAC 0.00379; gnomAD 0.00589 and 0.00623; TOPMed 0.00613; 1000 Genomes Project 0.00639; ESP Exome Variant Server 0.00674; 1000 Genomes Project 30x 0.00765.
gnomAD v4.1: 1,714 of 1,591,542 alleles (0.11%); highest among the groups gnomAD compares: African/African-American, 2.1%; 25 homozygotes.

Submissions (2):

Labcorp Genetics (formerly Invitae), Labcorp
Classification: Benign for Epileptic encephalopathy. Last evaluated: 2026-01-28. Review status: criteria provided, single submitter. Criteria: Invitae Variant Classification Sherloc (09022015). Collection method: clinical testing. Allele origin: germline.

PreventionGenetics, part of Exact Sciences
Classification: Benign for FASN-related condition. Last evaluated: 2019-08-12. Review status: no assertion criteria provided. Collection method: clinical testing. Allele origin: germline. Not counted in ClinVar's aggregate classification.
Comment: This variant is classified as benign based on ACMG/AMP sequence variant interpretation guidelines (Richards et al. 2015 PMID: 25741868, with internal and published modifications).